The following is an entry in ClinVar:

ClinVar aggregate classification (germline): Likely benign. Review status: criteria provided, single submitter (1 of 4 stars). 4 submissions from 4 submitters: Likely benign (1). 3 of the submissions do not count toward it. Last evaluated 2024-08-12.

Conditions:
MECOM-related disorder. Also called: MECOM-related condition.

Allele frequency attached by ClinVar (database versions not stated): ExAC 0.00011; gnomAD exomes 0.00013 and 0.00022; TOPMed 0.00013; 1000 Genomes Project 30x 0.00016; gnomAD 0.00017 and 0.00019; 1000 Genomes Project 0.00020; ESP Exome Variant Server 0.00050.
gnomAD v4.1: 350 of 1,613,868 alleles (0.022%); highest among the groups gnomAD compares: Non-Finnish European, 0.028%; no homozygotes.

Submissions (4):

Blueprint Genetics
Classification: Likely benign. Last evaluated: 2024-08-12. Review status: criteria provided, single submitter. Criteria: ACMG Guidelines, 2015. Collection method: clinical testing. Allele origin: germline.

PreventionGenetics, part of Exact Sciences
Classification: Likely benign for MECOM-related condition. Last evaluated: 2021-02-19. Review status: no assertion criteria provided. Collection method: clinical testing. Allele origin: germline. Not counted in ClinVar's aggregate classification.
Comment: This variant is classified as likely benign based on ACMG/AMP sequence variant interpretation guidelines (Richards et al. 2015 PMID: 25741868, with internal and published modifications).

Clinical Genetics DNA and cytogenetics Diagnostics Lab, Erasmus MC, Erasmus Medical Center
Classification: Likely benign. Review status: no assertion criteria provided. Collection method: clinical testing. Allele origin: germline. Affected: yes. Study: VKGL Data-share Consensus. Not counted in ClinVar's aggregate classification.

Genome Diagnostics Laboratory, University Medical Center Utrecht
Classification: Likely benign. Review status: no assertion criteria provided. Collection method: clinical testing. Allele origin: germline. Affected: yes. Study: VKGL Data-share Consensus. Not counted in ClinVar's aggregate classification.

NM_004991.4(MECOM):c.180G>A (p.Glu60=)

Gene: MECOM (MDS1 and EVI1 complex locus; minus strand). Cytogenetic location: 3q26.2.
Variant type: single nucleotide variant.
Coding change: c.180G>A on transcript NM_004991.4 (MANE Select); coding-DNA position 180, G replaced by A.
Protein change: p.Glu60=; no amino-acid change (glutamic acid 60 retained).
Molecular consequence: synonymous variant. On other transcripts: intron variant (1).
Genome position (GRCh38, 1-based): chr3:169,381,382, C>T on the plus strand (G>A on the coding strand, the complement: MECOM is on the minus strand). VCF-style: chr3-169381382-C-T. GRCh37 (hg19) VCF-style: chr3-169099170-C-T.
Other names: c.180G>A (NM_004991.3); c.180G>A, p.Glu60= (NM_001366466.2, NM_001366473.2); c.-189-237550G>A (NM_001205194.2).
Identifiers: ClinVar variation 1285012 (VCV001285012.5), dbSNP rs188488402, ClinGen allele CA2696708.